The following is an entry in ClinVar:

ClinVar aggregate classification (germline): Uncertain significance (1 of 4 stars; one submission).

Allele frequency attached by ClinVar (database versions not stated): gnomAD exomes below 0.00001; ExAC 0.00001.

Submission:

Labcorp Genetics (formerly Invitae), Labcorp
Classification: Uncertain significance. Last evaluated: 2022-08-09. Review status: criteria provided, single submitter. Criteria: Invitae Variant Classification Sherloc (09022015). Collection method: clinical testing. Allele origin: germline.
Comment: In summary, the available evidence is currently insufficient to determine the role of this variant in disease. Therefore, it has been classified as a Variant of Uncertain Significance. Advanced modeling of protein sequence and biophysical properties (such as structural, functional, and spatial information, amino acid conservation, physicochemical variation, residue mobility, and thermodynamic stability) performed at Invitae indicates that this missense variant is not expected to disrupt TPP1 protein function. ClinVar contains an entry for this variant (Variation ID: 936301). This variant has not been reported in the literature in individuals affected with TPP1-related conditions. This variant is present in population databases (rs747540137, gnomAD 0.0009%). This sequence change replaces histidine, which is basic and polar, with arginine, which is basic and polar, at codon 149 of the TPP1 protein (p.His149Arg).

NM_000391.4(TPP1):c.446A>G (p.His149Arg)

Gene: TPP1 (tripeptidyl peptidase 1; minus strand). Cytogenetic location: 11p15.4.
Variant type: single nucleotide variant.
Coding change: c.446A>G on transcript NM_000391.4 (MANE Select); coding-DNA position 446, A replaced by G.
Protein change: p.His149Arg; replaces histidine 149 with arginine.
Molecular consequence: missense variant.
Genome position (GRCh38, 1-based): chr11:6,617,363, T>C on the plus strand (A>G on the coding strand, the complement: TPP1 is on the minus strand). VCF-style: chr11-6617363-T-C. GRCh37 (hg19) VCF-style: chr11-6638594-T-C.
Other names: short protein forms H149R.
Identifiers: ClinVar variation 936301 (VCV000936301.9), dbSNP rs747540137, ClinGen allele CA5858950.